The following is an entry in ClinVar:

ClinVar aggregate classification (germline): Likely benign. Review status: reviewed by expert panel (3 of 4 stars). 8 submissions from 8 submitters: Likely benign (1). 7 of the submissions do not count toward it. Last evaluated 2017-06-29.

Conditions:
Hereditary cancer-predisposing syndrome. Also called: Tumor predisposition; Hereditary Cancer Syndrome; Hereditary neoplastic syndrome; Neoplastic Syndromes, Hereditary. Identifiers: Orphanet 140162, MedGen C0027672, MeSH D009386, MONDO:0015356.
Hereditary breast ovarian cancer syndrome. Also called: Breast and ovarian cancer; Hereditary breast and ovarian cancer syndrome; Hereditary breast and ovarian cancer; BRCA1- and BRCA2-Associated Hereditary Breast and Ovarian Cancer; Hereditary breast and ovarian cancer syndrome (HBOC); Hereditary breast and/or ovarian cancer syndrome. Identifiers: Orphanet 145, MedGen C0677776, MeSH D061325, MONDO:0003582. Disease mechanism: loss of function.
Breast-ovarian cancer, familial, susceptibility to, 2 (BROVCA2). Also called: BRCA2 Hereditary Breast and Ovarian Cancer. Identifiers: Orphanet 145, MedGen C2675520, MONDO:0012933, OMIM 612555. Disease mechanism: loss of function.

Allele frequency attached by ClinVar (database versions not stated): gnomAD exomes below 0.00001 and 0.00001; TOPMed below 0.00001; gnomAD 0.00001.
gnomAD v4.1: 8 of 1,584,236 alleles (0.0005%); highest among the groups gnomAD compares: South Asian, 0.0024%; no homozygotes.

Submissions (8):

Evidence-based Network for the Interpretation of Germline Mutant Alleles (ENIGMA)
Classification: Likely benign for Breast-ovarian cancer, familial, susceptibility to, 2. Last evaluated: 2017-06-29. Review status: reviewed by expert panel. Criteria: ENIGMA BRCA1/2 Classification Criteria (2017-06-29). Collection method: curation. Allele origin: germline.
Comment: Synonymous substitution variant, with low bioinformatic likelihood to result in a splicing aberration (Splicing prior probability 0.02).

Labcorp Genetics (formerly Invitae), Labcorp
Classification: Likely benign for Hereditary breast ovarian cancer syndrome. Last evaluated: 2026-01-06. Review status: criteria provided, single submitter. Criteria: Invitae Variant Classification Sherloc (09022015). Collection method: clinical testing. Allele origin: germline. Not counted in ClinVar's aggregate classification.

Sema4
Classification: Likely benign for Hereditary cancer-predisposing syndrome. Last evaluated: 2021-11-03. Review status: criteria provided, single submitter. Criteria: Sema4 Curation Guidelines. Collection method: curation. Allele origin: germline. Not counted in ClinVar's aggregate classification.

Women's Health and Genetics/Laboratory Corporation of America, LabCorp
Classification: Likely benign. Last evaluated: 2019-08-21. Review status: criteria provided, single submitter. Criteria: LabCorp Variant Classification Summary - May 2015. Collection method: clinical testing. Allele origin: germline. Not counted in ClinVar's aggregate classification.

Mendelics
Classification: Likely benign for Breast-ovarian cancer, familial, susceptibility to, 2. Last evaluated: 2019-05-28. Review status: criteria provided, single submitter. Criteria: Mendelics Assertion Criteria 2017. Collection method: clinical testing. Allele origin: unknown. Not counted in ClinVar's aggregate classification.

Color Diagnostics, LLC DBA Color Health
Classification: Likely benign for Hereditary cancer-predisposing syndrome. Last evaluated: 2017-04-28. Review status: criteria provided, single submitter. Criteria: ACMG Guidelines, 2015. Collection method: clinical testing. Allele origin: germline. Not counted in ClinVar's aggregate classification.

GeneDx
Classification: Benign. Last evaluated: 2014-10-01. Review status: criteria provided, single submitter. Criteria: GeneDx Variant Classification (06012015). Collection method: clinical testing. Allele origin: germline. Affected: yes. Not counted in ClinVar's aggregate classification.
Comment: This variant is considered likely benign or benign based on one or more of the following criteria: it is a conservative change, it occurs at a poorly conserved position in the protein, it is predicted to be benign by multiple in silico algorithms, and/or has population frequency not consistent with disease.

Ambry Genetics
Classification: Likely benign for Hereditary cancer-predisposing syndrome. Last evaluated: 2014-09-16. Review status: criteria provided, single submitter. Criteria: Ambry Variant Classification Scheme 2023. Collection method: clinical testing. Allele origin: germline. Not counted in ClinVar's aggregate classification.

NM_000059.4(BRCA2):c.2601T>G (p.Thr867=)

Gene: BRCA2 (BRCA2 DNA repair associated; plus strand). Cytogenetic location: 13q13.1.
Variant type: single nucleotide variant.
Coding change: c.2601T>G on transcript NM_000059.4 (MANE Select); coding-DNA position 2601, T replaced by G.
Protein change: p.Thr867=; no amino-acid change (threonine 867 retained).
Molecular consequence: synonymous variant.
Genome position (GRCh38, 1-based): chr13:32,336,956, T>G. VCF-style: chr13-32336956-T-G. GRCh37 (hg19) VCF-style: chr13-32911093-T-G.
Other names: p.T867T:ACT>ACG.
Identifiers: ClinVar variation 182285 (VCV000182285.23), dbSNP rs730881589, ClinGen allele CA015792.